The following is an entry in ClinVar:

NM_004186.5(SEMA3F):c.95T>A (p.Val32Asp)

Gene: SEMA3F (semaphorin 3F; plus strand). Cytogenetic location: 3p21.31.
Variant type: single nucleotide variant.
Coding change: c.95T>A on transcript NM_004186.5 (MANE Select); coding-DNA position 95, T replaced by A.
Protein change: p.Val32Asp; replaces valine 32 with aspartic acid.
Molecular consequence: missense variant. On other transcripts: 5 prime UTR variant (1).
Genome position (GRCh38, 1-based): chr3:50,159,717, T>A. VCF-style: chr3-50159717-T-A. GRCh37 (hg19) VCF-style: chr3-50197150-T-A.
Other names: c.-110T>A (NM_001318798.2); c.95T>A, p.Val32Asp (NM_001318800.2); short protein forms V32D.
Identifiers: ClinVar variation 3344328 (VCV003344328.1).
Genomic context (GRCh38, chr3:50,159,717, plus strand): 5'-TACTGACCGGGGCCTGGCCATCCTTCCCCACCCAGGACCACCTCCCGGCCACGCCCCGGG[T>A]CCGGCTCTCATTCAAAGGTAAGAAGCTGTTTTGTTCTTCCCCAGAAATCATCCTCTCTTT-3'
Protein context (NP_004177.3, residues 22-42): TQDHLPATPR[Val32Asp]RLSFKELKAT

ClinVar aggregate classification (germline): Uncertain significance (0 of 4 stars; one submission).

Conditions:
SEMA3F-related disorder. Also called: SEMA3F-related condition.

Submission:

PreventionGenetics, part of Exact Sciences
Classification: Uncertain significance for SEMA3F-related condition. Last evaluated: 2024-08-21. Review status: no assertion criteria provided. Collection method: clinical testing. Allele origin: germline.
Comment: The SEMA3F c.95T>A variant is predicted to result in the amino acid substitution p.Val32Asp. To our knowledge, this variant has not been reported in the literature or in a large population database, indicating this variant is rare. At this time, the clinical significance of this variant is uncertain due to the absence of conclusive functional and genetic evidence.